The following is an entry in ClinVar:

NM_003123.6(SPN):c.879C>T (p.Gly293=)

Gene: SPN (sialophorin; plus strand). Cytogenetic location: 16p11.2.
Variant type: single nucleotide variant.
Coding change: c.879C>T on transcript NM_003123.6 (MANE Select); coding-DNA position 879, C replaced by T.
Protein change: p.Gly293=; no amino-acid change (glycine 293 retained).
Molecular consequence: synonymous variant.
Genome position (GRCh38, 1-based): chr16:29,664,607, C>T. VCF-style: chr16-29664607-C-T. GRCh37 (hg19) VCF-style: chr16-29675928-C-T.
Other names: c.879C>T, p.Gly293= (NM_001030288.4).
Identifiers: ClinVar variation 3059616 (VCV003059616.2), dbSNP rs1050881, ClinGen allele CA7992281.
Genomic context (GRCh38, chr16:29,664,607, plus strand): 5'-GCTCCTGCTGTGGCGCCGGCGGCAGAAGCGGCGGACTGGGGCCCTCGTGCTGAGCAGAGG[C>T]GGCAAGCGTAACGGGGTGGTGGACGCCTGGGCTGGGCCAGCCCAGGTCCCTGAGGAGGGG-3'
Protein context (NP_003114.1, residues 283-303): RRTGALVLSR[Gly293=]GKRNGVVDAW

ClinVar aggregate classification (germline): Benign (0 of 4 stars; one submission).

Conditions:
SPN-related disorder. Also called: SPN-related condition.

Allele frequency attached by ClinVar (database versions not stated): ESP Exome Variant Server 0.04359; gnomAD 0.07858; TOPMed 0.07918; gnomAD exomes 0.08938; 1000 Genomes Project 30x 0.17036; ExAC 0.17256; 1000 Genomes Project 0.17812.
gnomAD v4.1: 142,011 of 1,602,388 alleles (8.9%); highest among the groups gnomAD compares: East Asian, 34%; 11,764 homozygotes.

Submission:

PreventionGenetics, part of Exact Sciences
Classification: Benign for SPN-related condition. Last evaluated: 2019-10-21. Review status: no assertion criteria provided. Collection method: clinical testing. Allele origin: germline.
Comment: This variant is classified as benign based on ACMG/AMP sequence variant interpretation guidelines (Richards et al. 2015 PMID: 25741868, with internal and published modifications).